The following is an entry in ClinVar:

ClinVar aggregate classification (germline): Benign/Likely benign. Review status: criteria provided, multiple submitters, no conflicts (2 of 4 stars). 3 submissions from 3 submitters: Benign (1); Likely benign (2). Last evaluated 2025-11-01.

Conditions:
Oligodontia-cancer predisposition syndrome. Also called: TOOTH AGENESIS-COLORECTAL CANCER SYNDROME. Identifiers: Orphanet 300576, MedGen C1837750, MONDO:0012075, OMIM 608615. Disease mechanism: loss of function.

Submissions (3):

CeGaT Center for Human Genetics Tuebingen
Classification: Likely benign. Last evaluated: 2025-11-01. Review status: criteria provided, single submitter. Criteria: CeGaT Center For Human Genetics Tuebingen Variant Classification Criteria Version 2. Collection method: clinical testing. Allele origin: germline. Affected: yes. Observed: 2 variant alleles.
Comment: AXIN2: PM2:Supporting, BP4, BP7

Myriad Genetics, Inc.
Classification: Benign for Oligodontia-cancer predisposition syndrome. Last evaluated: 2024-06-28. Review status: criteria provided, single submitter. Criteria: Myriad Autosomal Dominant, Autosomal Recessive and X-Linked Classification Criteria (2023). Collection method: clinical testing. Allele origin: unknown.
Comment: This variant is considered benign. This variant is a silent/synonymous amino acid change and it is not expected to impact splicing.

Labcorp Genetics (formerly Invitae), Labcorp
Classification: Likely benign for Oligodontia-cancer predisposition syndrome. Last evaluated: 2023-08-05. Review status: criteria provided, single submitter. Criteria: Invitae Variant Classification Sherloc (09022015). Collection method: clinical testing. Allele origin: germline.

NM_004655.4(AXIN2):c.1032T>C (p.Asn344=)

Gene: AXIN2 (axin 2; minus strand). Cytogenetic location: 17q24.1.
Variant type: single nucleotide variant.
Coding change: c.1032T>C on transcript NM_004655.4 (MANE Select); coding-DNA position 1032, T replaced by C.
Protein change: p.Asn344=; no amino-acid change (asparagine 344 retained).
Molecular consequence: synonymous variant.
Genome position (GRCh38, 1-based): chr17:65,541,482, A>G on the plus strand (T>C on the coding strand, the complement: AXIN2 is on the minus strand). VCF-style: chr17-65541482-A-G. GRCh37 (hg19) VCF-style: chr17-63537600-A-G.
Other names: c.1032T>C, p.Asn344= (NM_001363813.1).
Identifiers: ClinVar variation 1528735 (VCV001528735.15), dbSNP rs2144500062, ClinGen allele CA501476475.